The following is an entry in ClinVar:

ClinVar aggregate classification (germline): Conflicting classifications of pathogenicity. Review status: criteria provided, conflicting classifications (1 of 4 stars). 2 submissions from 2 submitters: Uncertain significance (1); Likely benign (1). Last evaluated 2025-08-30.

Conditions:
Drash syndrome (DDS). Also called: WILMS TUMOR AND PSEUDO- OR TRUE HERMAPHRODITISM; NEPHROPATHY, WILMS TUMOR, AND GENITAL ANOMALIES. Identifiers: Orphanet 220, MedGen C0950121, MONDO:0008682, OMIM 194080.
Wilms tumor 1 (WT1). Also called: Wilms tumor, somatic. Identifiers: Orphanet 654, MedGen CN033288, MONDO:0008679, OMIM 194070.
11p partial monosomy syndrome (WAGR). Also called: CHROMOSOME 11p13 DELETION SYNDROME; WAGR syndrome; WAGR Spectrum Disorder; WAGR Complex. Identifiers: Orphanet 893, MedGen C0206115, MONDO:0008681, OMIM 194072.
Frasier syndrome. Identifiers: Orphanet 347, MedGen C0950122, MeSH D052159, MONDO:0007635, OMIM 136680.
Hereditary cancer-predisposing syndrome. Also called: Neoplastic Syndromes, Hereditary; Tumor predisposition; Hereditary Cancer Syndrome; Hereditary neoplastic syndrome. Identifiers: Orphanet 140162, MedGen C0027672, MeSH D009386, MONDO:0015356.

Allele frequency attached by ClinVar (database versions not stated): gnomAD exomes below 0.00001.
gnomAD v4.1: 1 of 1,614,072 alleles (0.000062%); highest among the groups gnomAD compares: East Asian, 0.0022%; no homozygotes.

Submissions (2):

Labcorp Genetics (formerly Invitae), Labcorp
Classification: Likely benign for Wilms tumor 1; Drash syndrome; 11p partial monosomy syndrome; Frasier syndrome. Last evaluated: 2025-08-30. Review status: criteria provided, single submitter. Criteria: Invitae Variant Classification Sherloc (09022015). Collection method: clinical testing. Allele origin: germline.

Sema4
Classification: Uncertain significance for Hereditary cancer-predisposing syndrome. Last evaluated: 2022-01-18. Review status: criteria provided, single submitter. Criteria: Sema4 Curation Guidelines. Collection method: curation. Allele origin: germline.
Comment: The WT1 c.1002-11T>C variant has not been reported in the literature to our knowledge. It was not observed in the large and broad cohorts of the Genome Aggregation Database (PMID: 32461654). This variant has not been reported in ClinVar. Computational tools suggest that this variant has no impact on splicing, but this prediction has not been confirmed by functional studies. The evidence is insufficient to meet ACMG/AMP criteria for classifying the variant as benign or pathogenic. Thus, the clinical significance of this variant is currently uncertain.

NM_024426.6(WT1):c.1017-11T>C

Gene: WT1 (WT1 transcription factor; minus strand). Cytogenetic location: 11p13.
Variant type: single nucleotide variant.
Coding change: c.1017-11T>C on transcript NM_024426.6 (MANE Select); 11 bases into the intron before coding-DNA position 1017, T replaced by C.
Molecular consequence: intron variant.
Genome position (GRCh38, 1-based): chr11:32,400,055, A>G on the plus strand (T>C on the coding strand, the complement: WT1 is on the minus strand). VCF-style: chr11-32400055-A-G. GRCh37 (hg19) VCF-style: chr11-32421601-A-G.
Other names: c.843-11T>C (NM_001407050.1); c.894-11T>C (NM_001407047.1); c.966-11T>C (NM_001407048.1, NM_001407049.1, NM_000378.6 and 1 more transcripts); c.1017-17T>C (NM_001407044.1); c.1017-11T>C (NM_001407046.1, NM_024424.5); c.255-11T>C (NM_001407051.1); c.315-11T>C (NM_001198552.2); c.366-11T>C (NM_001198551.2); and 1 more.
Identifiers: ClinVar variation 1634883 (VCV001634883.9), dbSNP rs1564975924, ClinGen allele CA1962340583.